The following is an entry in ClinVar:

NM_144643.4(SCLT1):c.1598T>C (p.Ile533Thr)

Gene: SCLT1 (sodium channel and clathrin linker 1; minus strand). Cytogenetic location: 4q28.2.
Variant type: single nucleotide variant.
Coding change: c.1598T>C on transcript NM_144643.4 (MANE Select); coding-DNA position 1598, T replaced by C.
Protein change: p.Ile533Thr; replaces isoleucine 533 with threonine.
Molecular consequence: missense variant. On other transcripts: intron variant (1).
Genome position (GRCh38, 1-based): chr4:128,943,030, A>G on the plus strand (T>C on the coding strand, the complement: SCLT1 is on the minus strand). VCF-style: chr4-128943030-A-G. GRCh37 (hg19) VCF-style: chr4-129864185-A-G.
Other names: c.1439+2977T>C (NM_001410807.1); short protein forms I533T.
Identifiers: ClinVar variation 3346704 (VCV003346704.1).

ClinVar aggregate classification (germline): Uncertain significance (0 of 4 stars; one submission).

Conditions:
SCLT1-related disorder. Also called: SCLT1-related condition.

gnomAD v4.1: 24 of 1,612,038 alleles (0.0015%); highest among the groups gnomAD compares: Non-Finnish European, 0.002%; no homozygotes.

Submission:

PreventionGenetics, part of Exact Sciences
Classification: Uncertain significance for SCLT1-related condition. Last evaluated: 2024-08-22. Review status: no assertion criteria provided. Collection method: clinical testing. Allele origin: germline.
Comment: The SCLT1 c.1598T>C variant is predicted to result in the amino acid substitution p.Ile533Thr. To our knowledge, this variant has not been reported in the literature. This variant is reported in 0.0018% of alleles in individuals of European (Non-Finnish) descent in gnomAD. At this time, the clinical significance of this variant is uncertain due to the absence of conclusive functional and genetic evidence.